The following is an entry in ClinVar:

NM_016360.4(TACO1):c.97del (p.Arg33fs)

Gene: TACO1 (translational activator of cytochrome c oxidase I; plus strand). Cytogenetic location: 17q23.3.
Variant type: Deletion.
Coding change: c.97del on transcript NM_016360.4 (MANE Select); coding-DNA position 97, one base deleted (C; older notation c.97delC).
Protein change: p.Arg33fs; shifts the reading frame from arginine 33.
Molecular consequence: frameshift variant.
Genome position (GRCh38, 1-based): chr17:63,601,180, C deleted; the last of 5 consecutive C bases (chr17:63,601,176-63,601,180); deleting any one gives the same sequence. VCF-style (leftmost placement, unchanged base first): chr17-63601175-AC-A. GRCh37 (hg19) VCF-style: chr17-61678534-AC-A.
Other names: c.97delC (NM_016360.3); short protein forms R33fs.
Identifiers: ClinVar variation 818073 (VCV000818073.5), dbSNP rs759254294, ClinGen allele CA627148621.

ClinVar aggregate classification (germline): Likely pathogenic. Review status: criteria provided, multiple submitters, no conflicts (2 of 4 stars). 2 submissions from 2 submitters: Likely pathogenic (2). Last evaluated 2026-01-15.

Conditions:
Mitochondrial complex IV deficiency, nuclear type 8. Also called: Mitochondrial complex 4 deficiency, nuclear type 8. Identifiers: MedGen C5436689, MONDO:0033638, OMIM 619052.

Submissions (2):

GeneDx
Classification: Likely pathogenic. Last evaluated: 2026-01-15. Review status: criteria provided, single submitter. Criteria: GeneDx Variant Classification Process June 2021. Collection method: clinical testing. Allele origin: germline. Affected: yes.
Comment: Frameshift variant predicted to result in protein truncation or nonsense mediated decay in a gene for which loss of function is a known mechanism of disease; Not observed at significant frequency in large population cohorts (gnomAD); Has not been previously published as pathogenic or benign to our knowledge

Fulgent Genetics
Classification: Likely pathogenic for Mitochondrial complex IV deficiency, nuclear type 8. Last evaluated: 2024-01-21. Review status: criteria provided, single submitter. Criteria: ACMG Guidelines, 2015. Collection method: clinical testing. Allele origin: germline.